The following is an entry in ClinVar:

NM_006245.4(PPP2R5D):c.153G>C (p.Gln51His)

Gene: PPP2R5D (protein phosphatase 2 regulatory subunit B'delta; plus strand). Cytogenetic location: 6p21.1.
Variant type: single nucleotide variant.
Coding change: c.153G>C on transcript NM_006245.4 (MANE Select); coding-DNA position 153, G replaced by C.
Protein change: p.Gln51His; replaces glutamine 51 with histidine.
Molecular consequence: missense variant. On other transcripts: 5 prime UTR variant (1), intron variant (1).
Genome position (GRCh38, 1-based): chr6:43,006,510, G>C. VCF-style: chr6-43006510-G-C. GRCh37 (hg19) VCF-style: chr6-42974248-G-C.
Other names: c.-301G>C (NM_001270476.2); c.153G>C, p.Gln51His (NM_180976.3); c.28-424G>C (NM_180977.3); short protein forms Q51H.
Identifiers: ClinVar variation 3623246 (VCV003623246.2).

ClinVar aggregate classification (germline): Uncertain significance (1 of 4 stars; one submission).

gnomAD v4.1: 1 of 1,613,870 alleles (0.000062%); highest among the groups gnomAD compares: Admixed American, 0.0017%; no homozygotes.

Submission:

Labcorp Genetics (formerly Invitae), Labcorp
Classification: Uncertain significance. Last evaluated: 2024-02-23. Review status: criteria provided, single submitter. Criteria: Invitae Variant Classification Sherloc (09022015). Collection method: clinical testing. Allele origin: germline.
Comment: This sequence change replaces glutamine, which is neutral and polar, with histidine, which is basic and polar, at codon 51 of the PPP2R5D protein (p.Gln51His). This variant is not present in population databases (gnomAD no frequency). This variant has not been reported in the literature in individuals affected with PPP2R5D-related conditions. An algorithm developed to predict the effect of missense changes on protein structure and function (PolyPhen-2) suggests that this variant is likely to be tolerated. In summary, the available evidence is currently insufficient to determine the role of this variant in disease. Therefore, it has been classified as a Variant of Uncertain Significance.